The following is an entry in ClinVar:

NM_001673.5(ASNS):c.667T>C (p.Phe223Leu)

Genes: ASNS (asparagine synthetase (glutamine-hydrolyzing); minus strand), CZ1P-ASNS (CZ1P-ASNS readthrough; minus strand). Cytogenetic location: 7q21.3.
Variant type: single nucleotide variant.
Coding change: c.667T>C on transcript NM_001673.5 (MANE Select); coding-DNA position 667, T replaced by C.
Protein change: p.Phe223Leu; replaces phenylalanine 223 with leucine.
Molecular consequence: missense variant. On other transcripts: non-coding transcript variant (1).
Genome position (GRCh38, 1-based): chr7:97,859,219, A>G on the plus strand (T>C on the coding strand, the complement: ASNS is on the minus strand). VCF-style: chr7-97859219-A-G. GRCh37 (hg19) VCF-style: chr7-97488531-A-G.
Other names: c.604T>C, p.Phe202Leu (NM_001178075.2); c.418T>C, p.Phe140Leu (NM_001178076.2, NM_001178077.1); c.667T>C, p.Phe223Leu (NM_001352496.2, NM_133436.3, NM_183356.4); short protein forms F223L, F202L, F140L.
Identifiers: ClinVar variation 1470099 (VCV001470099.4), dbSNP rs2115658571, ClinGen allele CA368269266.
Genomic context (GRCh38, chr7:97,859,219, plus strand): 5'-AAAATTTTTTTCCCTTGGAGAAGGATGGGGAATAGGTGGGTGGGTGTCTGCTACCTGGAA[A>G]GAGTTTCTCCACATTGTCATAGAGGGCGTGCAGGGGTACATCCCGACAGTGATGATATTT-3'
Protein context (NP_001664.3, residues 213-233): HALYDNVEKL[Phe223Leu]PGFEIETVKN

ClinVar aggregate classification (germline): Uncertain significance (1 of 4 stars; one submission).

Allele frequency attached by ClinVar (database versions not stated): gnomAD exomes below 0.00001.
gnomAD v4.1: 1 of 1,601,220 alleles (0.000062%); highest among the groups gnomAD compares: African/African-American, 0.0013%; no homozygotes.

Submission:

Labcorp Genetics (formerly Invitae), Labcorp
Classification: Uncertain significance. Last evaluated: 2021-08-03. Review status: criteria provided, single submitter. Criteria: Invitae Variant Classification Sherloc (09022015). Collection method: clinical testing. Allele origin: germline.
Comment: In summary, the available evidence is currently insufficient to determine the role of this variant in disease. Therefore, it has been classified as a Variant of Uncertain Significance. Advanced modeling of protein sequence and biophysical properties (such as structural, functional, and spatial information, amino acid conservation, physicochemical variation, residue mobility, and thermodynamic stability) performed at Invitae indicates that this missense variant is not expected to disrupt ASNS protein function. This variant has not been reported in the literature in individuals affected with ASNS-related conditions. This variant is not present in population databases (ExAC no frequency). This sequence change replaces phenylalanine with leucine at codon 223 of the ASNS protein (p.Phe223Leu). The phenylalanine residue is moderately conserved and there is a small physicochemical difference between phenylalanine and leucine.